The following is an entry in ClinVar:

NM_000038.6(APC):c.3756T>C (p.Ser1252=)

Gene: APC (APC regulator of Wnt signaling pathway; plus strand). Cytogenetic location: 5q22.2.
Variant type: single nucleotide variant.
Coding change: c.3756T>C on transcript NM_000038.6 (MANE Select); coding-DNA position 3756, T replaced by C.
Protein change: p.Ser1252=; no amino-acid change (serine 1252 retained).
Molecular consequence: synonymous variant. On other transcripts: non-coding transcript variant (2).
Genome position (GRCh38, 1-based): chr5:112,839,350, T>C. VCF-style: chr5-112839350-T-C. GRCh37 (hg19) VCF-style: chr5-112175047-T-C.
Other names: c.3756T>C, p.Ser1252= (NM_001127510.3, NM_001354895.2, NM_001407450.1); c.3702T>C, p.Ser1234= (NM_001127511.3); c.3810T>C, p.Ser1270= (NM_001354896.2, NM_001407447.1, NM_001407448.1 and 1 more transcripts); c.3786T>C, p.Ser1262= (NM_001354897.2); c.3681T>C, p.Ser1227= (NM_001354898.2); c.3672T>C, p.Ser1224= (NM_001354899.2); c.3633T>C, p.Ser1211= (NM_001354900.2); c.3579T>C, p.Ser1193= (NM_001354901.2, NM_001407453.1); and 11 more.
Identifiers: ClinVar variation 3148745 (VCV003148745.1), dbSNP rs2149898411, ClinGen allele CA445963671.

ClinVar aggregate classification (germline): Benign (1 of 4 stars; one submission).

Conditions:
Familial adenomatous polyposis 1 (FAP1). Also called: POLYPOSIS, ADENOMATOUS INTESTINAL; FAMILIAL ADENOMATOUS POLYPOSIS 1, ATTENUATED. Identifiers: MedGen C2713442, MONDO:0021056, OMIM 175100. Disease mechanism: loss of function.

Submission:

Myriad Genetics, Inc.
Classification: Benign for Familial adenomatous polyposis 1. Last evaluated: 2024-03-22. Review status: criteria provided, single submitter. Criteria: Myriad Autosomal Dominant, Autosomal Recessive and X-Linked Classification Criteria (2023). Collection method: clinical testing. Allele origin: unknown.
Comment: This variant is considered benign. This variant is a silent/synonymous amino acid change and it is not expected to impact splicing.